The following is an entry in ClinVar:

ClinVar aggregate classification (germline): Uncertain significance (1 of 4 stars; one submission).

Submission:

CeGaT Center for Human Genetics Tuebingen
Classification: Uncertain significance. Last evaluated: 2025-03-01. Review status: criteria provided, single submitter. Criteria: CeGaT Center For Human Genetics Tuebingen Variant Classification Criteria Version 2. Collection method: clinical testing. Allele origin: germline. Affected: yes. Observed: 1 variant allele.
Comment: POLR3B: PM2

NM_018082.6(POLR3B):c.92C>T (p.Pro31Leu)

Gene: POLR3B (RNA polymerase III subunit B; plus strand). Cytogenetic location: 12q23.3.
Variant type: single nucleotide variant.
Coding change: c.92C>T on transcript NM_018082.6 (MANE Select); coding-DNA position 92, C replaced by T.
Protein change: p.Pro31Leu; replaces proline 31 with leucine.
Molecular consequence: missense variant. On other transcripts: 5 prime UTR variant (1).
Genome position (GRCh38, 1-based): chr12:106,363,889, C>T. VCF-style: chr12-106363889-C-T. GRCh37 (hg19) VCF-style: chr12-106757667-C-T.
Other names: c.-83C>T (NM_001160708.2); short protein forms P31L.
Identifiers: ClinVar variation 3778396 (VCV003778396.7).